The following is an entry in ClinVar:

ClinVar aggregate classification (germline): Uncertain significance (1 of 4 stars; one submission).

Allele frequency attached by ClinVar (database versions not stated): gnomAD exomes below 0.00001 and 0.00001; ExAC 0.00001; TOPMed 0.00002; gnomAD 0.00003.

Submission:

Labcorp Genetics (formerly Invitae), Labcorp
Classification: Uncertain significance. Last evaluated: 2022-09-07. Review status: criteria provided, single submitter. Criteria: Invitae Variant Classification Sherloc (09022015). Collection method: clinical testing. Allele origin: germline.
Comment: This sequence change affects the initiator methionine of the C6 mRNA. The next in-frame methionine is located at codon 193. This variant is present in population databases (rs759769603, gnomAD 0.01%). This variant has not been reported in the literature in individuals affected with C6-related conditions. ClinVar contains an entry for this variant (Variation ID: 1432102). Experimental studies and prediction algorithms are not available or were not evaluated, and the functional significance of this variant is currently unknown. In summary, the available evidence is currently insufficient to determine the role of this variant in disease. Therefore, it has been classified as a Variant of Uncertain Significance.

NM_000065.5(C6):c.2T>C (p.Met1Thr)

Gene: C6 (complement C6; minus strand). Cytogenetic location: 5p13.1.
Variant type: single nucleotide variant.
Coding change: c.2T>C on transcript NM_000065.5 (MANE Select); coding-DNA position 2, T replaced by C.
Protein change: p.Met1Thr; changes the start codon (methionine 1).
Molecular consequence: missense variant, initiator codon variant.
Genome position (GRCh38, 1-based): chr5:41,203,229, A>G on the plus strand (T>C on the coding strand, the complement: C6 is on the minus strand). VCF-style: chr5-41203229-A-G. GRCh37 (hg19) VCF-style: chr5-41203331-A-G.
Other names: c.2T>C, p.Met1Thr (NM_001115131.4); short protein forms M1T.
Identifiers: ClinVar variation 1432102 (VCV001432102.5), dbSNP rs759769603, ClinGen allele CA3252919.
Genomic context (GRCh38, chr5:41,203,229, plus strand): 5'-GCTTGGCCCTTGTTGATCAGAGCATTCAGCAGGATGAAGTACAAGACAGAGCGTCTGGCC[A>G]TGCCTTGAGAGCCTCCAGGCCCTAAAATGAAAGAATACATAACACATATCAAATGCTTTT-3'
Protein context (NP_000056.2, residues 1-11): [Met1Thr]ARRSVLYFIL